The following is an entry in ClinVar:

NM_000094.4(COL7A1):c.5928del (p.Arg1977fs)

Gene: COL7A1 (collagen type VII alpha 1 chain; minus strand). Cytogenetic location: 3p21.31.
Variant type: Deletion.
Coding change: c.5928del on transcript NM_000094.4 (MANE Select); coding-DNA position 5928, one base deleted (G; older notation c.5928delG).
Protein change: p.Arg1977fs; shifts the reading frame from arginine 1977.
Molecular consequence: frameshift variant.
Genome position (GRCh38, 1-based): chr3:48,575,677, C deleted on the plus strand (G on the coding strand, the reverse complement: COL7A1 is on the minus strand); the first of 2 consecutive C bases (chr3:48,575,677-48,575,678); deleting either gives the same sequence. VCF-style (leftmost placement, unchanged base first): chr3-48575676-GC-G. GRCh37 (hg19) VCF-style: chr3-48613109-GC-G.
Other names: short protein forms R1977fs.
Identifiers: ClinVar variation 5016207 (VCV005016207.1).

ClinVar aggregate classification (germline): Pathogenic (1 of 4 stars; one submission).

Conditions:
Recessive dystrophic epidermolysis bullosa (RDEB). Also called: DYSTROPHIC EPIDERMOLYSIS BULLOSA, AUTOSOMAL RECESSIVE; EPIDERMOLYSIS BULLOSA DYSTROPHICA, HALLOPEAU-SIEMENS TYPE; Hallopeau-Siemens Disease; severe generalized recessive dystrophic epidermolysis bullosa; EPIDERMOLYSIS BULLOSA DYSTROPHICA, GENERALIZED SEVERE, AUTOSOMAL RECESSIVE; Epidermolysis Bullosa Distrophica Autosomal Recessive (RDEB). Identifiers: Orphanet 79408, Orphanet 79409, MedGen C0079474, MONDO:0009179, OMIM 226600.

Submission:

Myriad Genetics, Inc.
Classification: Pathogenic for Recessive dystrophic epidermolysis bullosa. Last evaluated: 2026-08-07. Review status: criteria provided, single submitter. Criteria: Myriad Autosomal Dominant, Autosomal Recessive and X-Linked Classification Criteria (2023). Collection method: clinical testing. Allele origin: unknown.
Comment: NM_000094.3(COL7A1):c.5928delG(R1977Vfs*28) is expected to be pathogenic in the context of dystrophic epidermolysis bullosa. This variant is predicted to lead to an abnormal or absent protein product due to the creation of a premature termination codon in COL7A1, a gene where loss-of-function variants are known to be pathogenic. Please note: this variant was assessed in the context of healthy population screening.